The following is an entry in ClinVar:

ClinVar aggregate classification (germline): Uncertain significance (1 of 4 stars; one submission).

Conditions:
Developmental and epileptic encephalopathy, 36 (DEE36). Also called: Epileptic encephalopathy, early infantile, 36; Congenital disorder of glycosylation, type Is; ALG13-CDG. Identifiers: Orphanet 324422, MedGen C4317295, MONDO:0010472, OMIM 300884.

gnomAD v4.1: 2 of 1,211,772 alleles (0.00017%); highest among the groups gnomAD compares: Non-Finnish European, 0.00022%; no homozygotes.

Submission:

Labcorp Genetics (formerly Invitae), Labcorp
Classification: Uncertain significance for Developmental and epileptic encephalopathy, 36. Last evaluated: 2025-07-27. Review status: criteria provided, single submitter. Criteria: Invitae Variant Classification Sherloc (09022015). Collection method: clinical testing. Allele origin: germline.
Comment: This sequence change replaces threonine, which is neutral and polar, with isoleucine, which is neutral and non-polar, at codon 236 of the ALG13 protein (p.Thr236Ile). This variant is not present in population databases (gnomAD no frequency). This variant has not been reported in the literature in individuals affected with ALG13-related conditions. Invitae Evidence Modeling of protein sequence and biophysical properties (such as structural, functional, and spatial information, amino acid conservation, physicochemical variation, residue mobility, and thermodynamic stability) indicates that this missense variant is not expected to disrupt ALG13 protein function with a negative predictive value of 95%. In summary, the available evidence is currently insufficient to determine the role of this variant in disease. Therefore, it has been classified as a Variant of Uncertain Significance.

NM_001099922.3(ALG13):c.707C>T (p.Thr236Ile)

Gene: ALG13 (ALG13 UDP-N-acetylglucosaminyltransferase subunit; plus strand). Cytogenetic location: Xq23.
Variant type: single nucleotide variant.
Coding change: c.707C>T on transcript NM_001099922.3 (MANE Select); coding-DNA position 707, C replaced by T.
Protein change: p.Thr236Ile; replaces threonine 236 with isoleucine.
Molecular consequence: missense variant. On other transcripts: non-coding transcript variant (1).
Genome position (GRCh38, 1-based): chrX:111,708,350, C>T. VCF-style: chrX-111708350-C-T. GRCh37 (hg19) VCF-style: chrX-110951578-C-T.
Other names: c.395C>T, p.Thr132Ile (NM_001257230.2, NM_001257234.2, NM_001257237.2 and 1 more transcripts); c.473C>T, p.Thr158Ile (NM_001257231.2); c.707C>T, p.Thr236Ile (NM_001324292.2); short protein forms T132I, T158I, T236I.
Identifiers: ClinVar variation 4799413 (VCV004799413.1).